The following is an entry in ClinVar:

NM_021008.4(DEAF1):c.955C>A (p.Pro319Thr)

Gene: DEAF1 (DEAF1 transcription factor; minus strand). Cytogenetic location: 11p15.5.
Variant type: single nucleotide variant.
Coding change: c.955C>A on transcript NM_021008.4 (MANE Select); coding-DNA position 955, C replaced by A.
Protein change: p.Pro319Thr; replaces proline 319 with threonine.
Molecular consequence: missense variant. On other transcripts: intron variant (1).
Genome position (GRCh38, 1-based): chr11:681,005, G>T on the plus strand (C>A on the coding strand, the complement: DEAF1 is on the minus strand). VCF-style: chr11-681005-G-T. GRCh37 (hg19) VCF-style: chr11-681005-G-T.
Other names: c.229C>A, p.Pro77Thr (NM_001367390.1, NM_001440885.1, NM_001440886.1 and 1 more transcripts); c.955C>A, p.Pro319Thr (NM_001440883.1, NM_001440884.1); c.731-1189C>A (NM_001293634.2); short protein forms P319T, P77T.
Identifiers: ClinVar variation 2440731 (VCV002440731.7), dbSNP rs978670753, ClinGen allele CA216904736.

ClinVar aggregate classification (germline): Uncertain significance. Review status: criteria provided, multiple submitters, no conflicts (2 of 4 stars). 3 submissions from 3 submitters: Uncertain significance (3). Last evaluated 2025-04-30.

Conditions:
Inborn genetic diseases. Identifiers: MedGen C0950123, MeSH D030342.

Allele frequency attached by ClinVar (database versions not stated): TOPMed below 0.00001.

Submissions (3):

Ambry Genetics
Classification: Uncertain significance for Inborn genetic diseases. Last evaluated: 2025-04-30. Review status: criteria provided, single submitter. Criteria: Ambry Variant Classification Scheme 2023. Collection method: clinical testing. Allele origin: germline.

Labcorp Genetics (formerly Invitae), Labcorp
Classification: Uncertain significance. Last evaluated: 2023-10-28. Review status: criteria provided, single submitter. Criteria: Invitae Variant Classification Sherloc (09022015). Collection method: clinical testing. Allele origin: germline.
Comment: This sequence change replaces proline, which is neutral and non-polar, with threonine, which is neutral and polar, at codon 319 of the DEAF1 protein (p.Pro319Thr). This variant is not present in population databases (gnomAD no frequency). This variant has not been reported in the literature in individuals affected with DEAF1-related conditions. ClinVar contains an entry for this variant (Variation ID: 2440731). Advanced modeling of protein sequence and biophysical properties (such as structural, functional, and spatial information, amino acid conservation, physicochemical variation, residue mobility, and thermodynamic stability) performed at Invitae indicates that this missense variant is not expected to disrupt DEAF1 protein function with a negative predictive value of 80%. In summary, the available evidence is currently insufficient to determine the role of this variant in disease. Therefore, it has been classified as a Variant of Uncertain Significance.

Revvity Omics, Revvity
Classification: Uncertain significance. Last evaluated: 2022-05-25. Review status: criteria provided, single submitter. Criteria: ACMG Guidelines, 2015. Collection method: clinical testing. Allele origin: germline.